The following is an entry in ClinVar:

ClinVar aggregate classification (germline): Uncertain significance (1 of 4 stars; one submission).

Conditions:
ALG12-congenital disorder of glycosylation (CDG1G). Also called: CDG Ig; ALG12-CDG; Congenital disorder of glycosylation, type Ig. Identifiers: Orphanet 79324, MedGen C2931001, MONDO:0011783, OMIM 607143.

Submission:

Labcorp Genetics (formerly Invitae), Labcorp
Classification: Uncertain significance for ALG12-congenital disorder of glycosylation. Last evaluated: 2024-01-15. Review status: criteria provided, single submitter. Criteria: Invitae Variant Classification Sherloc (09022015). Collection method: clinical testing. Allele origin: germline.
Comment: This sequence change replaces methionine, which is neutral and non-polar, with isoleucine, which is neutral and non-polar, at codon 129 of the ALG12 protein (p.Met129Ile). This variant is not present in population databases (gnomAD no frequency). This variant has not been reported in the literature in individuals affected with ALG12-related conditions. ClinVar contains an entry for this variant (Variation ID: 1973032). Advanced modeling of protein sequence and biophysical properties (such as structural, functional, and spatial information, amino acid conservation, physicochemical variation, residue mobility, and thermodynamic stability) performed at Invitae indicates that this missense variant is not expected to disrupt ALG12 protein function with a negative predictive value of 80%. In summary, the available evidence is currently insufficient to determine the role of this variant in disease. Therefore, it has been classified as a Variant of Uncertain Significance.

NM_024105.4(ALG12):c.387G>A (p.Met129Ile)

Gene: ALG12 (ALG12 alpha-1,6-mannosyltransferase; minus strand). Cytogenetic location: 22q13.33.
Variant type: single nucleotide variant.
Coding change: c.387G>A on transcript NM_024105.4 (MANE Select); coding-DNA position 387, G replaced by A.
Protein change: p.Met129Ile; replaces methionine 129 with isoleucine.
Molecular consequence: missense variant.
Genome position (GRCh38, 1-based): chr22:49,910,516, C>T on the plus strand (G>A on the coding strand, the complement: ALG12 is on the minus strand). VCF-style: chr22-49910516-C-T. GRCh37 (hg19) VCF-style: chr22-50304164-C-T.
Other names: short protein forms M129I.
Identifiers: ClinVar variation 1973032 (VCV001973032.5), dbSNP rs2519269459, ClinGen allele CA412078140.